The following is an entry in ClinVar:

NM_152383.5(DIS3L2):c.869del (p.Val290fs)

Gene: DIS3L2 (DIS3 like 3'-5' exoribonuclease 2; plus strand). Cytogenetic location: 2q37.1.
Variant type: Deletion.
Coding change: c.869del on transcript NM_152383.5 (MANE Select); coding-DNA position 869, one base deleted (T; older notation c.869delT).
Protein change: p.Val290fs; shifts the reading frame from valine 290.
Molecular consequence: frameshift variant. On other transcripts: non-coding transcript variant (1).
Genome position (GRCh38, 1-based): chr2:232,136,638, T deleted. VCF-style (leftmost placement, unchanged base first): chr2-232136637-GT-G. GRCh37 (hg19) VCF-style: chr2-233001347-GT-G.
Other names: c.869del, p.Val290fs (NM_001257281.2); short protein forms V290fs.
Identifiers: ClinVar variation 2087451 (VCV002087451.4), dbSNP rs2469848634, ClinGen allele CA2580066040.
Genomic context (GRCh38, chr2:232,136,637, plus strand): 5'-CCCTCAGACCACCGAGTGCCTAGAATTTATGTGCCTCTCAAGGACTGTCCCCAGGACTTT[GT>G]GGCACGGCCTAAAGATTATGCCAACACACTGTTCATCTGCCGCATTGTGGACTGGAAGGA-3'

ClinVar aggregate classification (germline): Pathogenic (1 of 4 stars; one submission).

Conditions:
Perlman syndrome (PRLMNS). Identifiers: Orphanet 2849, MedGen C0796113, MONDO:0009965, OMIM 267000.

Submission:

Labcorp Genetics (formerly Invitae), Labcorp
Classification: Pathogenic for Perlman syndrome. Last evaluated: 2022-01-18. Review status: criteria provided, single submitter. Criteria: Invitae Variant Classification Sherloc (09022015). Collection method: clinical testing. Allele origin: germline.
Comment: This sequence change creates a premature translational stop signal (p.Val290Glyfs*48) in the DIS3L2 gene. It is expected to result in an absent or disrupted protein product. Loss-of-function variants in DIS3L2 are known to be pathogenic (PMID: 22306653, 28328139). This variant is not present in population databases (gnomAD no frequency). This variant has not been reported in the literature in individuals affected with DIS3L2-related conditions. For these reasons, this variant has been classified as Pathogenic.

Literature cited by the submitters: PubMed 22306653; PubMed 28328139.